The following is an entry in ClinVar:

ClinVar aggregate classification (germline): Pathogenic (1 of 4 stars; one submission).

Conditions:
Atypical hemolytic-uremic syndrome. Identifiers: Orphanet 2134, MedGen C2931788, MONDO:0016244.

Submission:

Genomenon, Inc
Classification: Pathogenic for Atypical hemolytic-uremic syndrome. Last evaluated: 2025-10-02. Review status: criteria provided, single submitter. Criteria: Genomenon Sequence Variant Interpretation Standards - Updated. Collection method: curation. Allele origin: germline. Affected: yes.
Comment: CFH p.Glu1195Ter (c.3583G>T) is a nonsense variant that introduces a premature stop codon at amino acid position 1195, creating a truncated protein. This variant has been observed in at least one proband affected with atypical hemolytic-uremic syndrome (PMID:20513133;23847193). It is absent or not present at a significant frequency in gnomAD. In conclusion, we classify CFH p.Glu1195Ter (c.3583G>T) as a pathogenic variant.

Literature cited by the submitters: PubMed 20513133; PubMed 23847193.

NM_000186.4(CFH):c.3583G>T (p.Glu1195Ter)

Gene: CFH (complement factor H; plus strand). Cytogenetic location: 1q31.3.
Variant type: single nucleotide variant.
Coding change: c.3583G>T on transcript NM_000186.4 (MANE Select); coding-DNA position 3583, G replaced by T.
Protein change: p.Glu1195Ter; replaces glutamic acid 1195 with a stop codon.
Molecular consequence: nonsense.
Genome position (GRCh38, 1-based): chr1:196,747,200, G>T. VCF-style: chr1-196747200-G-T. GRCh37 (hg19) VCF-style: chr1-196716330-G-T.
Other names: short protein forms E1195*.
Identifiers: ClinVar variation 4291619 (VCV004291619.1).